The following is an entry in ClinVar:

ClinVar aggregate classification (germline): Uncertain significance (1 of 4 stars; one submission).

Allele frequency attached by ClinVar (database versions not stated): gnomAD exomes below 0.00001; ExAC 0.00001; gnomAD 0.00001; TOPMed 0.00001.
gnomAD v4.1: 3 of 1,614,100 alleles (0.00019%); highest among the groups gnomAD compares: African/African-American, 0.0027%; no homozygotes.

Submission:

Ambry Genetics
Classification: Uncertain significance. Last evaluated: 2023-02-10. Review status: criteria provided, single submitter. Criteria: Ambry Variant Classification Scheme 2023. Collection method: clinical testing. Allele origin: germline.
Comment: The p.Q888P variant (also known as c.2663A>C), located in coding exon 16 of the POLQ gene, results from an A to C substitution at nucleotide position 2663. The glutamine at codon 888 is replaced by proline, an amino acid with similar properties. This amino acid position is conserved. In addition, the in silico prediction for this alteration is inconclusive. Since supporting evidence is limited at this time, the clinical significance of this alteration remains unclear.

NM_199420.4(POLQ):c.2663A>C (p.Gln888Pro)

Gene: POLQ (DNA polymerase theta; minus strand). Cytogenetic location: 3q13.33.
Variant type: single nucleotide variant.
Coding change: c.2663A>C on transcript NM_199420.4 (MANE Select); coding-DNA position 2663, A replaced by C.
Protein change: p.Gln888Pro; replaces glutamine 888 with proline.
Molecular consequence: missense variant.
Genome position (GRCh38, 1-based): chr3:121,490,268, T>G on the plus strand (A>C on the coding strand, the complement: POLQ is on the minus strand). VCF-style: chr3-121490268-T-G. GRCh37 (hg19) VCF-style: chr3-121209115-T-G.
Other names: short protein forms Q888P.
Identifiers: ClinVar variation 2497167 (VCV002497167.2), dbSNP rs758068239, ClinGen allele CA2563203.